The following is an entry in ClinVar:

ClinVar aggregate classification (germline): Uncertain significance (1 of 4 stars; one submission).

Submission:

GeneDx
Classification: Uncertain significance. Last evaluated: 2023-05-23. Review status: criteria provided, single submitter. Criteria: GeneDx Variant Classification Process June 2021. Collection method: clinical testing. Allele origin: germline. Affected: yes.
Comment: Not observed at significant frequency in large population cohorts (gnomAD); In silico analysis supports that this missense variant has a deleterious effect on protein structure/function; Has not been previously published as pathogenic or benign to our knowledge

NM_016120.4(RLIM):c.1571G>T (p.Gly524Val)

Gene: RLIM (ring finger protein, LIM domain interacting; minus strand). Cytogenetic location: Xq13.2.
Variant type: single nucleotide variant.
Coding change: c.1571G>T on transcript NM_016120.4 (MANE Select); coding-DNA position 1571, G replaced by T.
Protein change: p.Gly524Val; replaces glycine 524 with valine.
Molecular consequence: missense variant.
Genome position (GRCh38, 1-based): chrX:74,591,744, C>A on the plus strand (G>T on the coding strand, the complement: RLIM is on the minus strand). VCF-style: chrX-74591744-C-A. GRCh37 (hg19) VCF-style: chrX-73811579-C-A.
Other names: c.1571G>T, p.Gly524Val (NM_183353.3); short protein forms G524V.
Identifiers: ClinVar variation 3343690 (VCV003343690.1).